The following is an entry in ClinVar:

NM_000038.6(APC):c.5197C>T (p.Pro1733Ser)

Gene: APC (APC regulator of Wnt signaling pathway; plus strand). Cytogenetic location: 5q22.2.
Variant type: single nucleotide variant.
Coding change: c.5197C>T on transcript NM_000038.6 (MANE Select); coding-DNA position 5197, C replaced by T.
Protein change: p.Pro1733Ser; replaces proline 1733 with serine.
Molecular consequence: missense variant.
Genome position (GRCh38, 1-based): chr5:112,840,791, C>T. VCF-style: chr5-112840791-C-T. GRCh37 (hg19) VCF-style: chr5-112176488-C-T.
Other names: c.5197C>T, p.Pro1733Ser (NM_001127510.3, NM_001354895.2); c.5143C>T, p.Pro1715Ser (NM_001127511.3); c.5251C>T, p.Pro1751Ser (NM_001354896.2); c.5227C>T, p.Pro1743Ser (NM_001354897.2); c.5122C>T, p.Pro1708Ser (NM_001354898.2); c.5113C>T, p.Pro1705Ser (NM_001354899.2); c.5074C>T, p.Pro1692Ser (NM_001354900.2); c.5020C>T, p.Pro1674Ser (NM_001354901.2); and 5 more; short protein forms P1715S, P1733S, P1632S, P1642S, P1692S, P1708S, P1450S, P1743S.
Identifiers: ClinVar variation 482442 (VCV000482442.17), dbSNP rs1441448668, ClinGen allele CA16032691.

ClinVar aggregate classification (germline): Uncertain significance. Review status: criteria provided, multiple submitters, no conflicts (2 of 4 stars). 5 submissions from 5 submitters: Uncertain significance (5). Last evaluated 2025-12-29.

Conditions:
Hereditary cancer-predisposing syndrome. Also called: Neoplastic Syndromes, Hereditary; Tumor predisposition; Hereditary Cancer Syndrome; Hereditary neoplastic syndrome. Identifiers: Orphanet 140162, MedGen C0027672, MeSH D009386, MONDO:0015356.
Classic or attenuated familial adenomatous polyposis. Identifiers: MedGen CN372698, MONDO:0021057.
Familial adenomatous polyposis 1 (FAP1). Also called: FAMILIAL ADENOMATOUS POLYPOSIS 1, ATTENUATED; POLYPOSIS, ADENOMATOUS INTESTINAL. Identifiers: MedGen C2713442, MONDO:0021056, OMIM 175100. Disease mechanism: loss of function.

Allele frequency attached by ClinVar (database versions not stated): gnomAD exomes below 0.00001.
gnomAD v4.1: 2 of 1,613,946 alleles (0.00012%); highest among the groups gnomAD compares: Admixed American, 0.0017%; no homozygotes.

Submissions (5):

Labcorp Genetics (formerly Invitae), Labcorp
Classification: Uncertain significance for Familial adenomatous polyposis 1. Last evaluated: 2025-12-29. Review status: criteria provided, single submitter. Criteria: Invitae Variant Classification Sherloc (09022015). Collection method: clinical testing. Allele origin: germline.
Comment: This sequence change replaces proline, which is neutral and non-polar, with serine, which is neutral and polar, at codon 1733 of the APC protein (p.Pro1733Ser). This variant is present in population databases (no rsID available, gnomAD 0.003%). This variant has not been reported in the literature in individuals affected with APC-related conditions. ClinVar contains an entry for this variant (Variation ID: 482442). Invitae Evidence Modeling of protein sequence and biophysical properties (such as structural, functional, and spatial information, amino acid conservation, physicochemical variation, residue mobility, and thermodynamic stability) indicates that this missense variant is not expected to disrupt APC protein function with a negative predictive value of 95%. In summary, the available evidence is currently insufficient to determine the role of this variant in disease. Therefore, it has been classified as a Variant of Uncertain Significance.

Ambry Genetics
Classification: Uncertain significance for Hereditary cancer-predisposing syndrome. Last evaluated: 2025-11-24. Review status: criteria provided, single submitter. Criteria: Ambry Variant Classification Scheme 2023. Collection method: clinical testing. Allele origin: germline.
Comment: The p.P1733S variant (also known as c.5197C>T), located in coding exon 15 of the APC gene, results from a C to T substitution at nucleotide position 5197. The proline at codon 1733 is replaced by serine, an amino acid with similar properties. This amino acid position is highly conserved in available vertebrate species. In addition, in silico predictors for this gene do not accurately predict pathogenicity. Based on the available evidence, the clinical significance of this variant remains unclear.

All of Us Research Program, National Institutes of Health
Classification: Uncertain significance for Classic or attenuated familial adenomatous polyposis. Last evaluated: 2024-03-24. Review status: criteria provided, single submitter. Criteria: ACMG Guidelines, 2015. Collection method: clinical testing. Allele origin: germline. Inheritance: Autosomal dominant inheritance. Observed: 1 variant allele, 1 heterozygote.
Comment: This missense variant replaces proline with serine at codon 1733 of the APC protein. Computational prediction is inconclusive regarding the impact of this variant on protein structure and function (internally defined REVEL score threshold 0.5 < inconclusive < 0.7, PMID: 27666373). To our knowledge, functional studies have not been reported for this variant. This variant has been reported in an individual affected with sporadic colorectal cancer (PMID: 23085758). This variant has been identified in 1/250518 chromosomes in the general population by the Genome Aggregation Database (gnomAD). The available evidence is insufficient to determine the role of this variant in disease conclusively. Therefore, this variant is classified as a Variant of Uncertain Significance.

This study involves interpretation of variants in research participants for the purpose of population health screening. Participant phenotype was not available at the time of variant classification. Additional details can be found in publication PMID: 35346344, PMCID: PMC8962531

GeneDx
Classification: Uncertain significance. Last evaluated: 2019-06-11. Review status: criteria provided, single submitter. Criteria: GeneDx Variant Classification Process June 2021. Collection method: clinical testing. Allele origin: germline. Affected: yes.
Comment: Not observed at a significant frequency in large population cohorts (Lek et al., 2016); In silico analysis, which includes protein predictors and evolutionary conservation, supports that this variant does not alter protein structure/function; This variant is associated with the following publications: (PMID: 23085758, 28767674)

Women's Health and Genetics/Laboratory Corporation of America, LabCorp
Classification: Uncertain significance. Last evaluated: 2017-07-03. Review status: criteria provided, single submitter. Criteria: LabCorp Variant Classification Summary - May 2015. Collection method: clinical testing. Allele origin: germline.
Comment: Variant summary: The APC c.5197C>T (p.Pro1733Ser) variant involves the alteration of a conserved nucleotide, resulting in a missense change in one of the SAMP repeat domains (InterPro). 4/4 in silico tools predict a damaging outcome for this variant (SNPsandGO not captured due to low reliability index). This variant is absent from the large control database ExAC (0/120632 control chromosomes). In the literature, the variant was identified in a colorectal cancer patient as a somatic variant with no loss of heterozygosity detected (Christie_Oncogene_2013). Taken together, this variant is classified as VUS until additional information becomes available.

Literature cited by the submitters: PubMed 23085758 (cited by All of Us Research Program, National Institutes of Health and Women's Health and Genetics/Laboratory Corporation of America, LabCorp).